The following is an entry in ClinVar:

NM_001351132.2(PEX5):c.1823G>A (p.Arg608His)

Gene: PEX5 (peroxisomal biogenesis factor 5; plus strand). Cytogenetic location: 12p13.31.
Variant type: single nucleotide variant.
Coding change: c.1823G>A on transcript NM_001351132.2 (MANE Select); coding-DNA position 1823, G replaced by A.
Protein change: p.Arg608His; replaces arginine 608 with histidine.
Molecular consequence: missense variant.
Genome position (GRCh38, 1-based): chr12:7,210,126, G>A. VCF-style: chr12-7210126-G-A. GRCh37 (hg19) VCF-style: chr12-7362722-G-A.
Other names: c.1799G>A, p.Arg600His (NM_000319.5); c.1868G>A, p.Arg623His (NM_001131023.2); c.1712G>A, p.Arg571His (NM_001131024.2, NM_001351124.3, NM_001351126.2 and 7 more transcripts); c.1823G>A, p.Arg608His (NM_001131025.2, NM_001131026.2, NM_001300789.3 and 4 more transcripts); c.1757G>A, p.Arg586His (NM_001351135.3, NM_001351138.2); c.1823G>A (NM_001131025.1); c.1814G>A, p.Arg605His (NM_001351136.2); c.1688G>A, p.Arg563His (NM_001351139.2, NM_001351140.2, NM_001374649.2); short protein forms R563H, R608H, R600H, R605H, R623H, R571H, R586H.
Identifiers: ClinVar variation 1422062 (VCV001422062.37), dbSNP rs201158549, ClinGen allele CA6426597.

ClinVar aggregate classification (germline): Uncertain significance. Review status: criteria provided, multiple submitters, no conflicts (2 of 4 stars). 4 submissions from 4 submitters: Uncertain significance (4). Last evaluated 2025-02-14.

Conditions:
Peroxisome biogenesis disorder 2B (PBD2B). Identifiers: Orphanet 44, MedGen C3550234, MONDO:0008736, OMIM 202370.
Inborn genetic diseases. Identifiers: MedGen C0950123, MeSH D030342.

Allele frequency attached by ClinVar (database versions not stated): gnomAD 0.00004 and 0.00005; gnomAD exomes 0.00005 and 0.00006; TOPMed 0.00005; ExAC 0.00006.
gnomAD v4.1: 86 of 1,614,098 alleles (0.0053%); highest among the groups gnomAD compares: Non-Finnish European, 0.0064%; no homozygotes.

Submissions (4):

Ambry Genetics
Classification: Uncertain significance for Inborn genetic diseases. Last evaluated: 2025-02-14. Review status: criteria provided, single submitter. Criteria: Ambry Variant Classification Scheme 2023. Collection method: clinical testing. Allele origin: germline.

Blueprint Genetics
Classification: Uncertain significance. Last evaluated: 2024-02-13. Review status: criteria provided, single submitter. Criteria: ACMG Guidelines, 2015. Collection method: clinical testing. Allele origin: germline.

Labcorp Genetics (formerly Invitae), Labcorp
Classification: Uncertain significance for Peroxisome biogenesis disorder 2B. Last evaluated: 2022-07-18. Review status: criteria provided, single submitter. Criteria: Invitae Variant Classification Sherloc (09022015). Collection method: clinical testing. Allele origin: germline.
Comment: This sequence change replaces arginine, which is basic and polar, with histidine, which is basic and polar, at codon 608 of the PEX5 protein (p.Arg608His). This variant is present in population databases (rs201158549, gnomAD 0.01%). This variant has not been reported in the literature in individuals affected with PEX5-related conditions. ClinVar contains an entry for this variant (Variation ID: 1422062). Algorithms developed to predict the effect of missense changes on protein structure and function are either unavailable or do not agree on the potential impact of this missense change (SIFT: "Deleterious"; PolyPhen-2: "Benign"; Align-GVGD: "Class C0"). In summary, the available evidence is currently insufficient to determine the role of this variant in disease. Therefore, it has been classified as a Variant of Uncertain Significance.

CeGaT Center for Human Genetics Tuebingen
Classification: Uncertain significance. Last evaluated: 2022-01-01. Review status: criteria provided, single submitter. Criteria: CeGaT Center For Human Genetics Tuebingen Variant Classification Criteria Version 2. Collection method: clinical testing. Allele origin: germline. Affected: yes. Observed: 1 variant allele.